The following is an entry in ClinVar:

NM_033380.3(COL4A5):c.1660C>G (p.Pro554Ala)

Gene: COL4A5 (collagen type IV alpha 5 chain; plus strand). Cytogenetic location: Xq22.3.
Variant type: single nucleotide variant.
Coding change: c.1660C>G on transcript NM_033380.3 (MANE Select); coding-DNA position 1660, C replaced by G.
Protein change: p.Pro554Ala; replaces proline 554 with alanine.
Molecular consequence: missense variant.
Genome position (GRCh38, 1-based): chrX:108,597,449, C>G. VCF-style: chrX-108597449-C-G. GRCh37 (hg19) VCF-style: chrX-107840679-C-G.
Other names: c.1660C>G, p.Pro554Ala (NM_000495.5); short protein forms P554A.
Identifiers: ClinVar variation 1345684 (VCV001345684.8), dbSNP rs2147810221, ClinGen allele CA413845343.
Genomic context (GRCh38, chrX:108,597,449, plus strand): 5'-GCTCCAGGTGCTCCAGGCTTTCCTGGATCTAAAGGTGAACCTGGTGATATCCTCACTTTT[C>G]CAGGAATGAAGGGTGACAAAGGAGAGTTGGGTTCCCCTGGAGCTCCAGGGCTTCCTGGTT-3'
Protein context (NP_203699.1, residues 544-564): KGEPGDILTF[Pro554Ala]GMKGDKGELG

ClinVar aggregate classification (germline): Uncertain significance (1 of 4 stars; one submission).

Submission:

Labcorp Genetics (formerly Invitae), Labcorp
Classification: Uncertain significance. Last evaluated: 2022-02-10. Review status: criteria provided, single submitter. Criteria: Invitae Variant Classification Sherloc (09022015). Collection method: clinical testing. Allele origin: germline.
Comment: This sequence change replaces proline, which is neutral and non-polar, with alanine, which is neutral and non-polar, at codon 554 of the COL4A5 protein (p.Pro554Ala). This variant is not present in population databases (gnomAD no frequency). This variant has not been reported in the literature in individuals affected with COL4A5-related conditions. Advanced modeling of protein sequence and biophysical properties (such as structural, functional, and spatial information, amino acid conservation, physicochemical variation, residue mobility, and thermodynamic stability) performed at Invitae indicates that this missense variant is not expected to disrupt COL4A5 protein function. In summary, the available evidence is currently insufficient to determine the role of this variant in disease. Therefore, it has been classified as a Variant of Uncertain Significance.